The following is an entry in ClinVar:

NM_032447.5(FBN3):c.7884G>A (p.Thr2628=)

Gene: FBN3 (fibrillin 3; minus strand). Cytogenetic location: 19p13.2.
Variant type: single nucleotide variant.
Coding change: c.7884G>A on transcript NM_032447.5 (MANE Select); coding-DNA position 7884, G replaced by A.
Protein change: p.Thr2628=; no amino-acid change (threonine 2628 retained).
Molecular consequence: synonymous variant.
Genome position (GRCh38, 1-based): chr19:8,073,116, C>T on the plus strand (G>A on the coding strand, the complement: FBN3 is on the minus strand). VCF-style: chr19-8073116-C-T. GRCh37 (hg19) VCF-style: chr19-8138000-C-T.
Other names: c.7884G>A, p.Thr2628= (NM_001321431.2); c.7884G>A (NM_001321431.1).
Identifiers: ClinVar variation 710677 (VCV000710677.12), dbSNP rs147675031, ClinGen allele CA9150718.

ClinVar aggregate classification (germline): Benign. Review status: criteria provided, multiple submitters, no conflicts (2 of 4 stars). 3 submissions from 3 submitters: Benign (2). 1 of the submissions does not count toward it. Last evaluated 2026-01-08.

Conditions:
FBN3-related disorder. Also called: FBN3-related condition.

Allele frequency attached by ClinVar (database versions not stated): TOPMed 0.00410; ESP Exome Variant Server 0.00438; gnomAD exomes 0.00031 and 0.00089; ExAC 0.00115; 1000 Genomes Project 0.00300; 1000 Genomes Project 30x 0.00344; gnomAD 0.00350 and 0.00383.
gnomAD v4.1: 1,003 of 1,613,644 alleles (0.062%); highest among the groups gnomAD compares: African/African-American, 1.2%; 9 homozygotes.

Submissions (3):

Labcorp Genetics (formerly Invitae), Labcorp
Classification: Benign. Last evaluated: 2026-01-08. Review status: criteria provided, single submitter. Criteria: Invitae Variant Classification Sherloc (09022015). Collection method: clinical testing. Allele origin: germline.

Breakthrough Genomics
Classification: Benign. Review status: criteria provided, single submitter. Criteria: ACMG Guidelines, 2015. Collection method: not provided. Allele origin: germline. Inheritance: Unknown mechanism. Affected: yes.

PreventionGenetics, part of Exact Sciences
Classification: Benign for FBN3-related condition. Last evaluated: 2019-06-14. Review status: no assertion criteria provided. Collection method: clinical testing. Allele origin: germline. Not counted in ClinVar's aggregate classification.
Comment: This variant is classified as benign based on ACMG/AMP sequence variant interpretation guidelines (Richards et al. 2015 PMID: 25741868, with internal and published modifications).